The following is an entry in ClinVar:

NM_005559.4(LAMA1):c.2488A>C (p.Arg830=)

Gene: LAMA1 (laminin subunit alpha 1; minus strand). Cytogenetic location: 18p11.31.
Variant type: single nucleotide variant.
Coding change: c.2488A>C on transcript NM_005559.4 (MANE Select); coding-DNA position 2488, A replaced by C.
Protein change: p.Arg830=; no amino-acid change (arginine 830 retained).
Molecular consequence: synonymous variant.
Genome position (GRCh38, 1-based): chr18:7,024,381, T>G on the plus strand (A>C on the coding strand, the complement: LAMA1 is on the minus strand). VCF-style: chr18-7024381-T-G. GRCh37 (hg19) VCF-style: chr18-7024380-T-G.
Identifiers: ClinVar variation 91966 (VCV000091966.2), dbSNP rs386352324, ClinGen allele CA232259.
Genomic context (GRCh38, chr18:7,024,381, plus strand): 5'-AACACATAGAATTTATATTTAATTTCGAAAATGTGTTGAAGCCAGTGGATGCAGAGTACC[T>G]CTCACACCAAGCTCCTGAGTAGCCCGGGGCACACCAGTCACAGACCACTTCATCTCCATC-3'
Protein context (NP_005550.2, residues 820-840): APGYSGAWCE[Arg830=]CADGYYGNPT

ClinVar aggregate classification (germline): Uncertain significance (0 of 4 stars; one submission).

Submission:

Richard Lifton Laboratory, Yale University School of Medicine
Classification: Uncertain significance. Review status: no assertion criteria provided. Collection method: not provided. Allele origin: somatic.
Comment: LAMA1
ClinVar note: Converted during submission from unknown to Uncertain significance.